The following is an entry in ClinVar:

NM_005477.3(HCN4):c.38A>G (p.Tyr13Cys)

Gene: HCN4 (hyperpolarization activated cyclic nucleotide gated potassium channel 4; minus strand). Cytogenetic location: 15q24.1.
Variant type: single nucleotide variant.
Coding change: c.38A>G on transcript NM_005477.3 (MANE Select); coding-DNA position 38, A replaced by G.
Protein change: p.Tyr13Cys; replaces tyrosine 13 with cysteine.
Molecular consequence: missense variant.
Genome position (GRCh38, 1-based): chr15:73,368,233, T>C on the plus strand (A>G on the coding strand, the complement: HCN4 is on the minus strand). VCF-style: chr15-73368233-T-C. GRCh37 (hg19) VCF-style: chr15-73660574-T-C.
Other names: short protein forms Y13C.
Identifiers: ClinVar variation 3524256 (VCV003524256.1).

ClinVar aggregate classification (germline): Uncertain significance (1 of 4 stars; one submission).

Conditions:
Cardiovascular phenotype. Identifiers: MedGen CN230736.

Submission:

Ambry Genetics
Classification: Uncertain significance for Cardiovascular phenotype. Last evaluated: 2024-07-30. Review status: criteria provided, single submitter. Criteria: Ambry Variant Classification Scheme 2023. Collection method: clinical testing. Allele origin: germline.
Comment: The p.Y13C variant (also known as c.38A>G), located in coding exon 1 of the HCN4 gene, results from an A to G substitution at nucleotide position 38. The tyrosine at codon 13 is replaced by cysteine, an amino acid with highly dissimilar properties. This amino acid position is conserved. In addition, this alteration is predicted to be deleterious by in silico analysis. Based on the available evidence, the clinical significance of this variant remains unclear.